The following is an entry in ClinVar:

ClinVar aggregate classification (germline): Uncertain significance (1 of 4 stars; one submission).

gnomAD v4.1: 2 of 1,614,138 alleles (0.00012%); highest among the groups gnomAD compares: South Asian, 0.0022%; no homozygotes.

Submission:

Labcorp Genetics (formerly Invitae), Labcorp
Classification: Uncertain significance. Last evaluated: 2022-07-25. Review status: criteria provided, single submitter. Criteria: Invitae Variant Classification Sherloc (09022015). Collection method: clinical testing. Allele origin: germline.
Comment: In summary, the available evidence is currently insufficient to determine the role of this variant in disease. Therefore, it has been classified as a Variant of Uncertain Significance. Algorithms developed to predict the effect of missense changes on protein structure and function output the following: SIFT: "Tolerated"; PolyPhen-2: "Benign"; Align-GVGD: "Class C0". The alanine amino acid residue is found in multiple mammalian species, which suggests that this missense change does not adversely affect protein function. This variant has not been reported in the literature in individuals affected with NBAS-related conditions. This variant is not present in population databases (gnomAD no frequency). This sequence change replaces proline, which is neutral and non-polar, with alanine, which is neutral and non-polar, at codon 505 of the NBAS protein (p.Pro505Ala).

NM_015909.4(NBAS):c.1513C>G (p.Pro505Ala)

Gene: NBAS (NBAS subunit of NRZ tethering complex; minus strand). Cytogenetic location: 2p24.3.
Variant type: single nucleotide variant.
Coding change: c.1513C>G on transcript NM_015909.4 (MANE Select); coding-DNA position 1513, C replaced by G.
Protein change: p.Pro505Ala; replaces proline 505 with alanine.
Molecular consequence: missense variant. On other transcripts: non-coding transcript variant (1).
Genome position (GRCh38, 1-based): chr2:15,474,153, G>C on the plus strand (C>G on the coding strand, the complement: NBAS is on the minus strand). VCF-style: chr2-15474153-G-C. GRCh37 (hg19) VCF-style: chr2-15614277-G-C.
Other names: short protein forms P505A.
Identifiers: ClinVar variation 2088864 (VCV002088864.3), dbSNP rs2528138684, ClinGen allele CA345888114.